The following is an entry in ClinVar:

ClinVar aggregate classification (germline): Uncertain significance. Review status: criteria provided, multiple submitters, no conflicts (2 of 4 stars). 2 submissions from 2 submitters: Uncertain significance (2). Last evaluated 2025-03-12.

Conditions:
Glycogen storage disease, type II (IOPD). Also called: Glucosidase acid-1,4-alpha deficiency; Deficiency of lysosomal alpha-glucosidase; Glycogen storage disease type 2; Acid maltase deficiency disease; Aglucosidase alfa; Deficiency of alpha-glucosidase. Identifiers: Orphanet 365, MedGen C0017921, MONDO:0009290, OMIM 232300.

Submissions (2):

Revvity Omics, Revvity
Classification: Uncertain significance. Last evaluated: 2025-03-12. Review status: criteria provided, single submitter. Criteria: ACMG Guidelines, 2015. Collection method: clinical testing. Allele origin: germline.

Labcorp Genetics (formerly Invitae), Labcorp
Classification: Uncertain significance for Glycogen storage disease, type II. Last evaluated: 2025-01-29. Review status: criteria provided, single submitter. Criteria: Invitae Variant Classification Sherloc (09022015). Collection method: clinical testing. Allele origin: germline.
Comment: This sequence change replaces alanine, which is neutral and non-polar, with glutamic acid, which is acidic and polar, at codon 289 of the GAA protein (p.Ala289Glu). This variant is not present in population databases (gnomAD no frequency). This variant has not been reported in the literature in individuals affected with GAA-related conditions. ClinVar contains an entry for this variant (Variation ID: 2151435). Invitae Evidence Modeling of protein sequence and biophysical properties (such as structural, functional, and spatial information, amino acid conservation, physicochemical variation, residue mobility, and thermodynamic stability) indicates that this missense variant is not expected to disrupt GAA protein function with a negative predictive value of 95%. In summary, the available evidence is currently insufficient to determine the role of this variant in disease. Therefore, it has been classified as a Variant of Uncertain Significance.

NM_000152.5(GAA):c.866C>A (p.Ala289Glu)

Gene: GAA (alpha glucosidase; plus strand). Cytogenetic location: 17q25.3.
Variant type: single nucleotide variant.
Coding change: c.866C>A on transcript NM_000152.5 (MANE Select); coding-DNA position 866, C replaced by A.
Protein change: p.Ala289Glu; replaces alanine 289 with glutamic acid.
Molecular consequence: missense variant.
Genome position (GRCh38, 1-based): chr17:80,107,807, C>A. VCF-style: chr17-80107807-C-A. GRCh37 (hg19) VCF-style: chr17-78081606-C-A.
Other names: c.866C>A, p.Ala289Glu (NM_001079803.3, NM_001079804.3, NM_001406741.1 and 1 more transcripts); short protein forms A289E.
Identifiers: ClinVar variation 2151435 (VCV002151435.4), dbSNP rs145903608, ClinGen allele CA401363826.